The following is an entry in ClinVar:

ClinVar aggregate classification (germline): Uncertain significance (1 of 4 stars; one submission).

Conditions:
Inborn genetic diseases. Identifiers: MedGen C0950123, MeSH D030342.

Allele frequency attached by ClinVar (database versions not stated): ExAC 0.00001.
gnomAD v4.1: 2 of 1,612,936 alleles (0.00012%); highest among the groups gnomAD compares: Non-Finnish European, 0.000085%; no homozygotes.

Submission:

Ambry Genetics
Classification: Uncertain significance for Inborn genetic diseases. Last evaluated: 2021-10-05. Review status: criteria provided, single submitter. Criteria: Ambry Variant Classification Scheme 2023. Collection method: clinical testing. Allele origin: germline.
Comment: The p.W803R variant (also known as c.2407T>A), located in coding exon 19 of the BUB1B gene, results from a T to A substitution at nucleotide position 2407. The tryptophan at codon 803 is replaced by arginine, an amino acid with dissimilar properties. This amino acid position is conserved. In addition, the in silico prediction for this alteration is inconclusive. Since supporting evidence is limited at this time, the clinical significance of this alteration remains unclear.

NM_001211.6(BUB1B):c.2407T>A (p.Trp803Arg)

Gene: BUB1B (BUB1 mitotic checkpoint serine/threonine kinase B; plus strand). Cytogenetic location: 15q15.1.
Variant type: single nucleotide variant.
Coding change: c.2407T>A on transcript NM_001211.6 (MANE Select); coding-DNA position 2407, T replaced by A.
Protein change: p.Trp803Arg; replaces tryptophan 803 with arginine.
Molecular consequence: missense variant.
Genome position (GRCh38, 1-based): chr15:40,212,520, T>A. VCF-style: chr15-40212520-T-A. GRCh37 (hg19) VCF-style: chr15-40504721-T-A.
Other names: short protein forms W803R.
Identifiers: ClinVar variation 1790817 (VCV001790817.2), dbSNP rs779581144, ClinGen allele CA7476043.
Genomic context (GRCh38, chr15:40,212,520, plus strand): 5'-ACTTAACTGAACTTATTTTTAAAATACAATGTCTTACAGGTATCTTCTCAACCTGTCCCA[T>A]GGGACTTTTATATCAACCTCAAGTTAAAGGAACGTTTAAATGAAGATTTTGATCATTTTT-3'
Protein context (NP_001202.5, residues 793-813): VIKVSSQPVP[Trp803Arg]DFYINLKLKE